The following is an entry in ClinVar:

NM_016042.4(EXOSC3):c.*197C>T

Gene: EXOSC3 (exosome component 3; minus strand). Cytogenetic location: 9p13.2.
Variant type: single nucleotide variant.
Coding change: c.*197C>T on transcript NM_016042.4 (MANE Select); 197 bases downstream of the stop codon, C replaced by T.
Molecular consequence: 3 prime UTR variant.
Genome position (GRCh38, 1-based): chr9:37,780,482, G>A on the plus strand (C>T on the coding strand, the complement: EXOSC3 is on the minus strand). VCF-style: chr9-37780482-G-A. GRCh37 (hg19) VCF-style: chr9-37780479-G-A.
Other names: c.*378C>T (NM_001002269.2).
Identifiers: ClinVar variation 913708 (VCV000913708.5), dbSNP rs117073203, ClinGen allele CA192952119.

ClinVar aggregate classification (germline): Benign. Review status: criteria provided, multiple submitters, no conflicts (2 of 4 stars). 2 submissions from 2 submitters: Benign (2). Last evaluated 2017-04-27.

Conditions:
Pontocerebellar hypoplasia type 1B. Also called: EXOSC3 Pontocerebellar Hypoplasia. Identifiers: Orphanet 2254, MedGen C3553449, MONDO:0013853, OMIM 614678.

Allele frequency attached by ClinVar (database versions not stated): gnomAD 0.01382 and 0.01413; 1000 Genomes Project 30x 0.01624; TOPMed 0.01627; 1000 Genomes Project 0.01717.
gnomAD v4.1: 9,818 of 564,876 alleles (1.7%); highest among the groups gnomAD compares: East Asian, 4%; 139 homozygotes.

Submissions (2):

Illumina Laboratory Services, Illumina
Classification: Benign for Pontocerebellar hypoplasia type 1B. Last evaluated: 2017-04-27. Review status: criteria provided, single submitter. Criteria: ICSL Variant Classification Criteria 13 December 2019. Collection method: clinical testing. Allele origin: germline.
Comment: This variant was observed as part of a predisposition screen in an ostensibly healthy population. A literature search was performed for the gene, cDNA change, and amino acid change (where applicable). No publications were found based on this search. Allele frequency data from public databases was too high to be consistent with this variant causing disease. Therefore, this variant is classified as benign.

Breakthrough Genomics
Classification: Benign. Review status: criteria provided, single submitter. Criteria: ACMG Guidelines, 2015. Collection method: not provided. Allele origin: germline. Inheritance: Autosomal recessive inheritance. Affected: yes.